The following is an entry in ClinVar:

ClinVar aggregate classification (germline): Uncertain significance (1 of 4 stars; one submission).

Conditions:
Hereditary cancer-predisposing syndrome. Also called: Neoplastic Syndromes, Hereditary; Tumor predisposition; Hereditary Cancer Syndrome; Hereditary neoplastic syndrome. Identifiers: Orphanet 140162, MedGen C0027672, MeSH D009386, MONDO:0015356.

Submission:

Ambry Genetics
Classification: Uncertain significance for Hereditary cancer-predisposing syndrome. Last evaluated: 2025-11-03. Review status: criteria provided, single submitter. Criteria: Ambry Variant Classification Scheme 2023. Collection method: clinical testing. Allele origin: germline.
Comment: The p.E647K variant (also known as c.1939G>A), located in coding exon 15 of the BAP1 gene, results from a G to A substitution at nucleotide position 1939. The glutamic acid at codon 647 is replaced by lysine, an amino acid with similar properties. This amino acid position is conserved. In addition, this alteration is predicted to be deleterious by in silico analysis. Based on the available evidence, the clinical significance of this variant remains unclear.

NM_004656.4(BAP1):c.1939G>A (p.Glu647Lys)

Gene: BAP1 (BRCA1 associated deubiquitinase 1; minus strand). Cytogenetic location: 3p21.1.
Variant type: single nucleotide variant.
Coding change: c.1939G>A on transcript NM_004656.4 (MANE Select); coding-DNA position 1939, G replaced by A.
Protein change: p.Glu647Lys; replaces glutamic acid 647 with lysine.
Molecular consequence: missense variant.
Genome position (GRCh38, 1-based): chr3:52,402,823, C>T on the plus strand (G>A on the coding strand, the complement: BAP1 is on the minus strand). VCF-style: chr3-52402823-C-T. GRCh37 (hg19) VCF-style: chr3-52436839-C-T.
Other names: c.1885G>A, p.Glu629Lys (NM_001410772.1); short protein forms E629K, E647K.
Identifiers: ClinVar variation 4620652 (VCV004620652.1).
Genomic context (GRCh38, chr3:52,402,823, plus strand): 5'-TGGAGAAATCACCCACCTTGAACTTCTTCCTCTTCTCTACCTCCTCCTTGAGGCACGCCT[C>T]ATAGTTTGCAATCTCAGCCTCCACACACTTCAGCAGTGCCAGCAGCTCCTGCCAAAACCC-3'
Protein context (NP_004647.1, residues 637-657): KCVEAEIANY[Glu647Lys]ACLKEEVEKR